The following is an entry in ClinVar:

ClinVar aggregate classification (germline): Uncertain significance (1 of 4 stars; one submission).

Conditions:
Inborn genetic diseases. Identifiers: MedGen C0950123, MeSH D030342.

Submission:

Ambry Genetics
Classification: Uncertain significance for Inborn genetic diseases. Last evaluated: 2024-10-11. Review status: criteria provided, single submitter. Criteria: Ambry Variant Classification Scheme 2023. Collection method: clinical testing. Allele origin: germline.
Comment: The p.M2401V variant (also known as c.7201A>G), located in coding exon 43 of the ATR gene, results from an A to G substitution at nucleotide position 7201. The methionine at codon 2401 is replaced by valine, an amino acid with highly similar properties. This amino acid position is conserved. In addition, this alteration is predicted to be tolerated by in silico analysis. Based on the available evidence, the clinical significance of this variant remains unclear.

NM_001184.4(ATR):c.7201A>G (p.Met2401Val)

Gene: ATR (ATR serine/threonine kinase; minus strand). Cytogenetic location: 3q23.
Variant type: single nucleotide variant.
Coding change: c.7201A>G on transcript NM_001184.4 (MANE Select); coding-DNA position 7201, A replaced by G.
Protein change: p.Met2401Val; replaces methionine 2401 with valine.
Molecular consequence: missense variant.
Genome position (GRCh38, 1-based): chr3:142,459,375, T>C on the plus strand (A>G on the coding strand, the complement: ATR is on the minus strand). VCF-style: chr3-142459375-T-C. GRCh37 (hg19) VCF-style: chr3-142178217-T-C.
Other names: c.7009A>G, p.Met2337Val (NM_001354579.2); short protein forms M2401V, M2337V.
Identifiers: ClinVar variation 3461919 (VCV003461919.1).